The following is an entry in ClinVar:

ClinVar aggregate classification (germline): Pathogenic/Likely pathogenic. Review status: criteria provided, multiple submitters, no conflicts (2 of 4 stars). 3 submissions from 3 submitters: Pathogenic (1); Likely pathogenic (2). Last evaluated 2022-01-31.

Conditions:
Pelizaeus-Merzbacher disease. Also called: Pelizaeus-Merzbacher spectrum disorder; Pelizaeus-Merzbacher Disease (PMD); LEUKODYSTROPHY, HYPOMYELINATING, 1; Sudanophilic leukodystrophy; Pelizeaus-Merzbacher spectrum disorder. Identifiers: Orphanet 702, MedGen C0205711, MONDO:0010714, OMIM 312080, HP:0003269.
Hereditary spastic paraplegia 2 (SPG2). Also called: Spastic Paraplegia 2 (SPG2); SPASTIC PARAPLEGIA 2, X-LINKED. Identifiers: Orphanet 99015, MedGen C0751604, MONDO:0010733, OMIM 312920.

Submissions (3):

Molecular Diagnostics Lab, Nemours Children's Health, Delaware
Classification: Likely pathogenic for Pelizaeus-Merzbacher disease. Last evaluated: 2022-01-31. Review status: criteria provided, single submitter. Criteria: ACMG Guidelines, 2015. Collection method: clinical testing. Allele origin: maternal. Inheritance: X-linked inheritance. Affected: yes. Observed: 2 hemizygotes.
Comment: This missense variant (c.737G>C, p.Gly246Ala) has not been observed in population databases (gnomAD). It has been described in the literature (PMID 15712223, PMID 19825935). Variant prediction programs support a deleterious effect on the protein, but functional studies have not been reported.

Labcorp Genetics (formerly Invitae), Labcorp
Classification: Likely pathogenic for Hereditary spastic paraplegia 2. Last evaluated: 2018-10-24. Review status: criteria provided, single submitter. Criteria: Invitae Variant Classification Sherloc (09022015). Collection method: clinical testing. Allele origin: germline.
Comment: In summary, the currently available evidence indicates that the variant is pathogenic, but additional data are needed to prove that conclusively. Therefore, this variant has been classified as Likely Pathogenic. This variant disrupts the p.Gly246 amino acid residue in PLP1. Other variant(s) that disrupt this residue have been observed in affected individuals (PMID: 10417279, 24139698), suggesting that it is a clinically significant residue. As a result, variants that disrupt this residue are likely to be causative of disease. Experimental studies have shown that this missense change results in the rapid degradation of the PLP1 protein (PMID: 19825935). This variant has been observed in an individual affected with Pelizaeus-Merzbacher disease (PMID: 15712223). This variant is also known as G245A in the literature. ClinVar contains an entry for this variant (Variation ID: 93235). This variant is not present in population databases (ExAC no frequency). This sequence change replaces glycine with alanine at codon 246 of the PLP1 protein (p.Gly246Ala). The glycine residue is highly conserved and there is a small physicochemical difference between glycine and alanine.

Eurofins Ntd Llc (ga)
Classification: Pathogenic. Last evaluated: 2013-01-02. Review status: criteria provided, single submitter. Criteria: EGL Classification Definitions 2015. Collection method: clinical testing. Allele origin: germline. Observed: 1 variant allele, 1 heterozygote.

Literature cited by the submitters: PubMed 15712223 (cited by Molecular Diagnostics Lab, Nemours Children's Health, Delaware and Labcorp Genetics (formerly Invitae), Labcorp); PubMed 19825935 (cited by Molecular Diagnostics Lab, Nemours Children's Health, Delaware and Labcorp Genetics (formerly Invitae), Labcorp); PubMed 10417279 (cited by Molecular Diagnostics Lab, Nemours Children's Health, Delaware and Labcorp Genetics (formerly Invitae), Labcorp); PubMed 24139698 (cited by Molecular Diagnostics Lab, Nemours Children's Health, Delaware and Labcorp Genetics (formerly Invitae), Labcorp).

NM_000533.5(PLP1):c.737G>C (p.Gly246Ala)

Genes: PLP1 (proteolipid protein 1; plus strand), RAB9B (RAB9B, member RAS oncogene family; minus strand). Cytogenetic location: Xq22.2.
Variant type: single nucleotide variant.
Coding change: c.737G>C on transcript NM_000533.5 (MANE Select); coding-DNA position 737, G replaced by C.
Protein change: p.Gly246Ala; replaces glycine 246 with alanine.
Molecular consequence: missense variant.
Genome position (GRCh38, 1-based): chrX:103,789,373, G>C. VCF-style: chrX-103789373-G-C. GRCh37 (hg19) VCF-style: chrX-103044302-G-C.
Other names: c.737G>C, p.Gly246Ala (NM_001128834.3); c.572G>C, p.Gly191Ala (NM_001305004.1); c.632G>C, p.Gly211Ala (NM_199478.3); short protein forms G246A, G191A, G211A.
Identifiers: ClinVar variation 93235 (VCV000093235.13), dbSNP rs398123467, ClinGen allele CA221114.